The following is an entry in ClinVar:

NM_014915.3(ANKRD26):c.3769C>A (p.Gln1257Lys)

Gene: ANKRD26 (ankyrin repeat domain 26; minus strand). Cytogenetic location: 10p12.1.
Variant type: single nucleotide variant.
Coding change: c.3769C>A on transcript NM_014915.3 (MANE Select); coding-DNA position 3769, C replaced by A.
Protein change: p.Gln1257Lys; replaces glutamine 1257 with lysine.
Molecular consequence: missense variant.
Genome position (GRCh38, 1-based): chr10:27,033,263, G>T on the plus strand (C>A on the coding strand, the complement: ANKRD26 is on the minus strand). VCF-style: chr10-27033263-G-T. GRCh37 (hg19) VCF-style: chr10-27322192-G-T.
Other names: c.3766C>A, p.Gln1256Lys (NM_001256053.2); short protein forms Q1257K, Q1256K.
Identifiers: ClinVar variation 4579498 (VCV004579498.1).

ClinVar aggregate classification (germline): Uncertain significance (1 of 4 stars; one submission).

Conditions:
Inborn genetic diseases. Identifiers: MedGen C0950123, MeSH D030342.

gnomAD v4.1: 1 of 1,612,054 alleles (0.000062%); highest among the groups gnomAD compares: East Asian, 0.0022%; no homozygotes.

Submission:

Ambry Genetics
Classification: Uncertain significance for Inborn genetic diseases. Last evaluated: 2025-10-16. Review status: criteria provided, single submitter. Criteria: Ambry Variant Classification Scheme 2023. Collection method: clinical testing. Allele origin: germline.
Comment: The p.Q1257K variant (also known as c.3769C>A), located in coding exon 25 of the ANKRD26 gene, results from a C to A substitution at nucleotide position 3769. The glutamine at codon 1257 is replaced by lysine, an amino acid with similar properties. This amino acid position is conserved. In addition, this alteration is predicted to be tolerated by in silico analysis. Based on the available evidence, the clinical significance of this variant remains unclear.